The following is an entry in ClinVar:

ClinVar aggregate classification (germline): Uncertain significance (1 of 4 stars; one submission).

Allele frequency attached by ClinVar (database versions not stated): gnomAD exomes below 0.00001 and 0.00001; gnomAD 0.00001; TOPMed 0.00002.
gnomAD v4.1: 3 of 1,613,684 alleles (0.00019%); highest among the groups gnomAD compares: African/African-American, 0.004%; no homozygotes.

Submission:

Labcorp Genetics (formerly Invitae), Labcorp
Classification: Uncertain significance. Last evaluated: 2022-07-12. Review status: criteria provided, single submitter. Criteria: Invitae Variant Classification Sherloc (09022015). Collection method: clinical testing. Allele origin: germline.
Comment: This sequence change replaces valine, which is neutral and non-polar, with isoleucine, which is neutral and non-polar, at codon 1040 of the HTT protein (p.Val1040Ile). This variant is present in population databases (no rsID available, gnomAD 0.02%). This variant has not been reported in the literature in individuals affected with HTT-related conditions. ClinVar contains an entry for this variant (Variation ID: 1395617). Experimental studies and prediction algorithms are not available or were not evaluated, and the functional significance of this variant is currently unknown. In summary, the available evidence is currently insufficient to determine the role of this variant in disease. Therefore, it has been classified as a Variant of Uncertain Significance.

NM_001388492.1(HTT):c.3112G>A (p.Val1038Ile)

Gene: HTT (huntingtin; plus strand). Cytogenetic location: 4p16.3.
Variant type: single nucleotide variant.
Coding change: c.3112G>A on transcript NM_001388492.1 (MANE Select); coding-DNA position 3112, G replaced by A.
Protein change: p.Val1038Ile; replaces valine 1038 with isoleucine.
Molecular consequence: missense variant.
Genome position (GRCh38, 1-based): chr4:3,145,197, G>A. VCF-style: chr4-3145197-G-A. GRCh37 (hg19) VCF-style: chr4-3146924-G-A.
Other names: c.3118G>A, p.Val1040Ile (NM_002111.8); short protein forms V1040I, V1038I.
Identifiers: ClinVar variation 1395617 (VCV001395617.6), dbSNP rs987280795, ClinGen allele CA91446720.
Genomic context (GRCh38, chr4:3,145,197, plus strand): 5'-TTTCTTTCTTCTCAGTTTGGATGCTGTGAAGCTTTGTGTCTTCTTTCCACTGCCTTCCCA[G>A]TTTGCATTTGGAGTTTAGGTTGGCACTGTGGGTATGTATTTTCCTCAGTATATATTAATA-3'
Protein context (NP_001375421.1, residues 1028-1048): ALCLLSTAFP[Val1038Ile]CIWSLGWHCG